The following is an entry in ClinVar:

NM_000322.5(PRPH2):c.148G>A (p.Asp50Asn)

Gene: PRPH2 (peripherin 2; minus strand). Cytogenetic location: 6p21.1.
Variant type: single nucleotide variant.
Coding change: c.148G>A on transcript NM_000322.5 (MANE Select); coding-DNA position 148, G replaced by A.
Protein change: p.Asp50Asn; replaces aspartic acid 50 with asparagine.
Molecular consequence: missense variant.
Genome position (GRCh38, 1-based): chr6:42,722,187, C>T on the plus strand (G>A on the coding strand, the complement: PRPH2 is on the minus strand). VCF-style: chr6-42722187-C-T. GRCh37 (hg19) VCF-style: chr6-42689925-C-T.
Other names: short protein forms D50N.
Identifiers: ClinVar variation 2101438 (VCV002101438.4), dbSNP rs747987442, ClinGen allele CA3808657.
Genomic context (GRCh38, chr6:42,722,187, plus strand): 5'-GCACCCCCATCCCTATCAATGAGTTGGGCACAAAATGGCTCTCAGAATTATTCATCACAT[C>T]GCTCCTCTTTCGGAGTTCAATCTTCAGGAACAGTCCTAGGCTGAAGATGATGATGCCAGC-3'
Protein context (NP_000313.2, residues 40-60): FLKIELRKRS[Asp50Asn]VMNNSESHFV

ClinVar aggregate classification (germline): Uncertain significance (1 of 4 stars; one submission).

Conditions:
PRPH2-related disorder. Also called: PRPH2-related condition; PRPH2-related disorders. Identifiers: MedGen CN239395.

Allele frequency attached by ClinVar (database versions not stated): ExAC 0.00001.
gnomAD v4.1: 5 of 1,614,214 alleles (0.00031%); highest among the groups gnomAD compares: Non-Finnish European, 0.00034%; no homozygotes.

Submission:

Labcorp Genetics (formerly Invitae), Labcorp
Classification: Uncertain significance for PRPH2-related disorder. Last evaluated: 2024-11-13. Review status: criteria provided, single submitter. Criteria: Invitae Variant Classification Sherloc (09022015). Collection method: clinical testing. Allele origin: germline.
Comment: This sequence change replaces aspartic acid, which is acidic and polar, with asparagine, which is neutral and polar, at codon 50 of the PRPH2 protein (p.Asp50Asn). This variant is present in population databases (rs747987442, gnomAD 0.003%). This variant has not been reported in the literature in individuals affected with PRPH2-related conditions. ClinVar contains an entry for this variant (Variation ID: 2101438). Invitae Evidence Modeling of protein sequence and biophysical properties (such as structural, functional, and spatial information, amino acid conservation, physicochemical variation, residue mobility, and thermodynamic stability) has been performed for this missense variant. However, the output from this modeling did not meet the statistical confidence thresholds required to predict the impact of this variant on PRPH2 protein function. In summary, the available evidence is currently insufficient to determine the role of this variant in disease. Therefore, it has been classified as a Variant of Uncertain Significance.